The following is an entry in ClinVar:

NM_000878.5(IL2RB):c.1229C>G (p.Pro410Arg)

Gene: IL2RB (interleukin 2 receptor subunit beta; minus strand). Cytogenetic location: 22q12.3.
Variant type: single nucleotide variant.
Coding change: c.1229C>G on transcript NM_000878.5 (MANE Select); coding-DNA position 1229, C replaced by G.
Protein change: p.Pro410Arg; replaces proline 410 with arginine.
Molecular consequence: missense variant.
Genome position (GRCh38, 1-based): chr22:37,128,523, G>C on the plus strand (C>G on the coding strand, the complement: IL2RB is on the minus strand). VCF-style: chr22-37128523-G-C. GRCh37 (hg19) VCF-style: chr22-37524563-G-C.
Other names: p.Pro410Arg; c.1229C>G (NM_000878.2); c.1229C>G, p.Pro410Arg (NM_001346222.1, NM_001346223.2); short protein forms P410R.
Identifiers: ClinVar variation 1424081 (VCV001424081.9), dbSNP rs769877535, ClinGen allele CA10216394.
Genomic context (GRCh38, chr22:37,128,523, plus strand): 5'-AAGAGCAGCAGGTCATCCCTGGAGGGGAAGGTGCAGTAGGCGTCGTCCTCCCCTGACAGA[G>C]GCTGCAGGGGTTGGGGGGAAGACCCTGTGGGTGCCCCGGCCACACCCTCATCAGGGTCTT-3'
Protein context (NP_000869.1, residues 400-420): PTGSSPQPLQ[Pro410Arg]LSGEDDAYCT

ClinVar aggregate classification (germline): Conflicting classifications of pathogenicity. Review status: criteria provided, conflicting classifications (1 of 4 stars). 3 submissions from 3 submitters: Uncertain significance (2); Likely benign (1). Last evaluated 2025-07-07.

Allele frequency attached by ClinVar (database versions not stated): gnomAD exomes 0.00003 and 0.00011; gnomAD 0.00004 and 0.00005; TOPMed 0.00007; ExAC 0.00010.
gnomAD v4.1: 57 of 1,612,260 alleles (0.0035%); highest among the groups gnomAD compares: East Asian, 0.076%; no homozygotes.

Submissions (3):

Labcorp Genetics (formerly Invitae), Labcorp
Classification: Uncertain significance. Last evaluated: 2025-07-07. Review status: criteria provided, single submitter. Criteria: Invitae Variant Classification Sherloc (09022015). Collection method: clinical testing. Allele origin: germline.
Comment: This sequence change replaces proline, which is neutral and non-polar, with arginine, which is basic and polar, at codon 410 of the IL2RB protein (p.Pro410Arg). This variant is present in population databases (rs769877535, gnomAD 0.1%). This variant has not been reported in the literature in individuals affected with IL2RB-related conditions. ClinVar contains an entry for this variant (Variation ID: 1424081). An algorithm developed to predict the effect of missense changes on protein structure and function (PolyPhen-2) suggests that this variant is likely to be disruptive. In summary, the available evidence is currently insufficient to determine the role of this variant in disease. Therefore, it has been classified as a Variant of Uncertain Significance.

Ambry Genetics
Classification: Uncertain significance. Last evaluated: 2025-03-27. Review status: criteria provided, single submitter. Criteria: Ambry Variant Classification Scheme 2023. Collection method: clinical testing. Allele origin: germline.

Mayo Clinic Laboratories, Mayo Clinic
Classification: Likely benign. Last evaluated: 2025-03-20. Review status: criteria provided, single submitter. Criteria: ACMG Guidelines, 2015. Collection method: clinical testing. Allele origin: germline. Observed: 1 variant allele.
Comment: BS1, BP4_moderate